The following is an entry in ClinVar:

NM_173477.5(USH1G):c.720C>A (p.Ser240Arg)

Gene: USH1G (USH1 protein network component sans; minus strand). Cytogenetic location: 17q25.1.
Variant type: single nucleotide variant.
Coding change: c.720C>A on transcript NM_173477.5 (MANE Select); coding-DNA position 720, C replaced by A.
Protein change: p.Ser240Arg; replaces serine 240 with arginine.
Molecular consequence: missense variant.
Genome position (GRCh38, 1-based): chr17:74,920,116, G>T on the plus strand (C>A on the coding strand, the complement: USH1G is on the minus strand). VCF-style: chr17-74920116-G-T. GRCh37 (hg19) VCF-style: chr17-72916211-G-T.
Other names: c.411C>A, p.Ser137Arg (NM_001282489.3); c.720C>A (NM_173477.2); short protein forms S137R, S240R.
Identifiers: ClinVar variation 834107 (VCV000834107.8), dbSNP rs775371036, ClinGen allele CA8754018.

ClinVar aggregate classification (germline): Uncertain significance. Review status: criteria provided, multiple submitters, no conflicts (2 of 4 stars). 2 submissions from 2 submitters: Uncertain significance (2). Last evaluated 2023-05-17.

Conditions:
Inborn genetic diseases. Identifiers: MedGen C0950123, MeSH D030342.

Allele frequency attached by ClinVar (database versions not stated): ExAC 0.00003; TOPMed 0.00005.
gnomAD v4.1: 98 of 1,602,720 alleles (0.0061%); highest among the groups gnomAD compares: Non-Finnish European, 0.0079%; no homozygotes.

Submissions (2):

Ambry Genetics
Classification: Uncertain significance for Inborn genetic diseases. Last evaluated: 2023-05-17. Review status: criteria provided, single submitter. Criteria: Ambry Variant Classification Scheme 2023. Collection method: clinical testing. Allele origin: germline.

Labcorp Genetics (formerly Invitae), Labcorp
Classification: Uncertain significance. Last evaluated: 2022-06-13. Review status: criteria provided, single submitter. Criteria: Invitae Variant Classification Sherloc (09022015). Collection method: clinical testing. Allele origin: germline.
Comment: This sequence change replaces serine, which is neutral and polar, with arginine, which is basic and polar, at codon 240 of the USH1G protein (p.Ser240Arg). This variant is present in population databases (rs775371036, gnomAD 0.007%). This variant has not been reported in the literature in individuals affected with USH1G-related conditions. ClinVar contains an entry for this variant (Variation ID: 834107). Algorithms developed to predict the effect of missense changes on protein structure and function are either unavailable or do not agree on the potential impact of this missense change (SIFT: "Not Available"; PolyPhen-2: "Probably Damaging"; Align-GVGD: "Not Available"). In summary, the available evidence is currently insufficient to determine the role of this variant in disease. Therefore, it has been classified as a Variant of Uncertain Significance.